The following is an entry in ClinVar:

NM_015311.3(OBSL1):c.2728_2730delinsACA (p.Ala910Thr)

Gene: OBSL1 (obscurin like cytoskeletal adaptor 1; minus strand). Cytogenetic location: 2q35.
Variant type: Indel.
Coding change: c.2728_2730delinsACA on transcript NM_015311.3 (MANE Select); coding-DNA positions 2728 to 2730, GCC replaced by ACA.
Protein change: p.Ala910Thr; replaces alanine 910 with threonine.
Molecular consequence: missense variant.
Genome position (GRCh38, 1-based): chr2:219,562,625-219,562,627, GGC replaced by TGT on the plus strand (GCC replaced by ACA on the coding strand, the reverse complement: OBSL1 is on the minus strand). VCF-style: chr2-219562625-GGC-TGT. GRCh37 (hg19) VCF-style: chr2-220427347-GGC-TGT.
Other names: c.2728_2730delinsACA, p.Ala910Thr (NM_001173408.2, NM_001173431.2); short protein forms A910T.
Identifiers: ClinVar variation 3902279 (VCV003902279.1).

ClinVar aggregate classification (germline): Uncertain significance (1 of 4 stars; one submission).

Submission:

Women's Health and Genetics/Laboratory Corporation of America, LabCorp
Classification: Uncertain significance. Last evaluated: 2025-05-12. Review status: criteria provided, single submitter. Criteria: LabCorp Variant Classification Summary - May 2015. Collection method: clinical testing. Allele origin: germline.
Comment: Variant summary: OBSL1 c.2728_2730delinsACA (p.Ala910Thr) results in a non-conservative amino acid change in the encoded protein sequence. Algorithms developed to predict the effect of missense changes on protein structure and function are either unavailable or do not agree on the potential impact of this missense change. The variant was absent in 196912 control chromosomes. The available data on variant occurrences in the general population are insufficient to allow any conclusion about variant significance. To our knowledge, no occurrence of c.2728_2730delinsACA in individuals affected with Three M Syndrome 2 and no experimental evidence demonstrating its impact on protein function have been reported. No submitters have cited clinical-significance assessments for this variant to ClinVar. Based on the evidence outlined above, the variant was classified as uncertain significance.